The following is an entry in ClinVar:

ClinVar aggregate classification (germline): Uncertain significance (1 of 4 stars; one submission).

Allele frequency attached by ClinVar (database versions not stated): gnomAD 0.00001; TOPMed 0.00001; gnomAD exomes 0.00002.
gnomAD v4.1: 29 of 1,610,510 alleles (0.0018%); highest among the groups gnomAD compares: Non-Finnish European, 0.0023%; no homozygotes.

Submission:

GeneDx
Classification: Uncertain significance. Last evaluated: 2022-07-18. Review status: criteria provided, single submitter. Criteria: GeneDx Variant Classification Process June 2021. Collection method: clinical testing. Allele origin: germline. Affected: yes.
Comment: Not observed at significant frequency in large population cohorts (gnomAD); In silico analysis supports that this missense variant does not alter protein structure/function; Has not been previously published as pathogenic or benign to our knowledge

NM_001844.5(COL2A1):c.3687A>T (p.Arg1229Ser)

Gene: COL2A1 (collagen type II alpha 1 chain; minus strand). Cytogenetic location: 12q13.11.
Variant type: single nucleotide variant.
Coding change: c.3687A>T on transcript NM_001844.5 (MANE Select); coding-DNA position 3687, A replaced by T.
Protein change: p.Arg1229Ser; replaces arginine 1229 with serine.
Molecular consequence: missense variant.
Genome position (GRCh38, 1-based): chr12:47,975,516, T>A on the plus strand (A>T on the coding strand, the complement: COL2A1 is on the minus strand). VCF-style: chr12-47975516-T-A. GRCh37 (hg19) VCF-style: chr12-48369299-T-A.
Other names: c.3480A>T, p.Arg1160Ser (NM_033150.3); short protein forms R1160S, R1229S.
Identifiers: ClinVar variation 1696916 (VCV001696916.2), dbSNP rs1241940269, ClinGen allele CA384536908.